The following is an entry in ClinVar:

NM_000057.4(BLM):c.424A>C (p.Ser142Arg)

Gene: BLM (BLM RecQ like helicase; plus strand). Cytogenetic location: 15q26.1.
Variant type: single nucleotide variant.
Coding change: c.424A>C on transcript NM_000057.4 (MANE Select); coding-DNA position 424, A replaced by C.
Protein change: p.Ser142Arg; replaces serine 142 with arginine.
Molecular consequence: missense variant. On other transcripts: 5 prime UTR variant (1).
Genome position (GRCh38, 1-based): chr15:90,749,692, A>C. VCF-style: chr15-90749692-A-C. GRCh37 (hg19) VCF-style: chr15-91292922-A-C.
Other names: c.424A>C, p.Ser142Arg (NM_001287246.2, NM_001287247.2); c.-868A>C (NM_001287248.2); short protein forms S142R.
Identifiers: ClinVar variation 1739056 (VCV001739056.2), dbSNP rs2505392253, ClinGen allele CA393840519.

ClinVar aggregate classification (germline): Uncertain significance (1 of 4 stars; one submission).

Conditions:
Hereditary cancer-predisposing syndrome. Also called: Hereditary Cancer Syndrome; Hereditary neoplastic syndrome; Neoplastic Syndromes, Hereditary; Tumor predisposition. Identifiers: Orphanet 140162, MedGen C0027672, MeSH D009386, MONDO:0015356.

Submission:

Ambry Genetics
Classification: Uncertain significance for Hereditary cancer-predisposing syndrome. Last evaluated: 2021-12-08. Review status: criteria provided, single submitter. Criteria: Ambry Variant Classification Scheme 2023. Collection method: clinical testing. Allele origin: germline.
Comment: The p.S142R variant (also known as c.424A>C), located in coding exon 2 of the BLM gene, results from an A to C substitution at nucleotide position 424. The serine at codon 142 is replaced by arginine, an amino acid with dissimilar properties. This amino acid position is conserved. In addition, this alteration is predicted to be tolerated by in silico analysis. Since supporting evidence is limited at this time, the clinical significance of this alteration remains unclear.